The following is an entry in ClinVar:

NM_001195263.2(PDZD7):c.215C>T (p.Ser72Phe)

Gene: PDZD7 (PDZ domain containing 7; minus strand). Cytogenetic location: 10q24.31.
Variant type: single nucleotide variant.
Coding change: c.215C>T on transcript NM_001195263.2 (MANE Select); coding-DNA position 215, C replaced by T.
Protein change: p.Ser72Phe; replaces serine 72 with phenylalanine.
Molecular consequence: missense variant.
Genome position (GRCh38, 1-based): chr10:101,030,005, G>A on the plus strand (C>T on the coding strand, the complement: PDZD7 is on the minus strand). VCF-style: chr10-101030005-G-A. GRCh37 (hg19) VCF-style: chr10-102789762-G-A.
Other names: c.215C>T, p.Ser72Phe (NM_001351044.2, NM_024895.5); short protein forms S72F.
Identifiers: ClinVar variation 1716369 (VCV001716369.5), dbSNP rs1251107717, ClinGen allele CA378231170.
Genomic context (GRCh38, chr10:101,030,005, plus strand): 5'-CTACCCCCACCCTCCCCAACCCAGGCCAGTGGCTGGGTCCCGCCCCTACCTTCGATGGGG[G>A]AGTTGATGAGGATGACGCGTCCCATGGGCGATGAGGCTCGGATTCCGCGGGGGGGCCCGT-3'
Protein context (NP_001182192.1, residues 62-82): SPMGRVILIN[Ser72Phe]PIEANSDESD

ClinVar aggregate classification (germline): Uncertain significance (1 of 4 stars; one submission).

Submission:

Labcorp Genetics (formerly Invitae), Labcorp
Classification: Uncertain significance. Last evaluated: 2022-08-13. Review status: criteria provided, single submitter. Criteria: Invitae Variant Classification Sherloc (09022015). Collection method: clinical testing. Allele origin: germline.
Comment: This sequence change replaces serine, which is neutral and polar, with phenylalanine, which is neutral and non-polar, at codon 72 of the PDZD7 protein (p.Ser72Phe). In summary, the available evidence is currently insufficient to determine the role of this variant in disease. Therefore, it has been classified as a Variant of Uncertain Significance. Algorithms developed to predict the effect of missense changes on protein structure and function are either unavailable or do not agree on the potential impact of this missense change (SIFT: "Deleterious"; PolyPhen-2: "Not Available"; Align-GVGD: "Class C65"). This variant has not been reported in the literature in individuals affected with PDZD7-related conditions. This variant is present in population databases (no rsID available, gnomAD 0.0009%).